The following is an entry in ClinVar:

NM_014956.5(CEP164):c.833C>G (p.Pro278Arg)

Gene: CEP164 (centrosomal protein 164; plus strand). Cytogenetic location: 11q23.3.
Variant type: single nucleotide variant.
Coding change: c.833C>G on transcript NM_014956.5 (MANE Select); coding-DNA position 833, C replaced by G.
Protein change: p.Pro278Arg; replaces proline 278 with arginine.
Molecular consequence: missense variant.
Genome position (GRCh38, 1-based): chr11:117,371,147, C>G. VCF-style: chr11-117371147-C-G. GRCh37 (hg19) VCF-style: chr11-117241863-C-G.
Other names: c.833C>G (NM_014956.4); c.833C>G, p.Pro278Arg (NM_001271933.2); short protein forms P278R.
Identifiers: ClinVar variation 1056352 (VCV001056352.9), dbSNP rs376214075, ClinGen allele CA6294604.

ClinVar aggregate classification (germline): Uncertain significance. Review status: criteria provided, multiple submitters, no conflicts (2 of 4 stars). 4 submissions from 4 submitters: Uncertain significance (4). Last evaluated 2025-03-07.

Conditions:
CEP164-related disorder. Also called: CEP164-related condition.
Inborn genetic diseases. Identifiers: MedGen C0950123, MeSH D030342.
Nephronophthisis 15 (NPHP15). Identifiers: Orphanet 3156, MedGen C3541853, MONDO:0013917, OMIM 614845.

Allele frequency attached by ClinVar (database versions not stated): gnomAD exomes 0.00001; ExAC 0.00002; TOPMed 0.00002; gnomAD 0.00003; ESP Exome Variant Server 0.00015.
gnomAD v4.1: 11 of 1,613,492 alleles (0.00068%); highest among the groups gnomAD compares: African/African-American, 0.013%; no homozygotes.

Submissions (4):

PreventionGenetics, part of Exact Sciences
Classification: Uncertain significance for CEP164-related condition. Last evaluated: 2025-03-07. Review status: criteria provided, single submitter. Criteria: ACMG Guidelines, 2015. Collection method: clinical testing. Allele origin: germline.
Comment: The CEP164 c.833C>G variant is predicted to result in the amino acid substitution p.Pro278Arg. To our knowledge, this variant has not been reported in the literature. This variant is reported in 0.016% of alleles in individuals of African descent in gnomAD. At this time, the clinical significance of this variant is uncertain due to the absence of conclusive functional and genetic evidence.

Ambry Genetics
Classification: Uncertain significance for Inborn genetic diseases. Last evaluated: 2022-12-28. Review status: criteria provided, single submitter. Criteria: Ambry Variant Classification Scheme 2023. Collection method: clinical testing. Allele origin: germline.

Labcorp Genetics (formerly Invitae), Labcorp
Classification: Uncertain significance for Nephronophthisis 15. Last evaluated: 2022-08-16. Review status: criteria provided, single submitter. Criteria: Invitae Variant Classification Sherloc (09022015). Collection method: clinical testing. Allele origin: germline.
Comment: This sequence change replaces proline, which is neutral and non-polar, with arginine, which is basic and polar, at codon 278 of the CEP164 protein (p.Pro278Arg). This variant is present in population databases (rs376214075, gnomAD 0.02%). This variant has not been reported in the literature in individuals affected with CEP164-related conditions. ClinVar contains an entry for this variant (Variation ID: 1056352). Algorithms developed to predict the effect of missense changes on protein structure and function are either unavailable or do not agree on the potential impact of this missense change (SIFT: "Deleterious"; PolyPhen-2: "Probably Damaging"; Align-GVGD: "Class C0"). In summary, the available evidence is currently insufficient to determine the role of this variant in disease. Therefore, it has been classified as a Variant of Uncertain Significance.

Fulgent Genetics
Classification: Uncertain significance for Nephronophthisis 15. Last evaluated: 2022-03-12. Review status: criteria provided, single submitter. Criteria: ACMG Guidelines, 2015. Collection method: clinical testing. Allele origin: unknown.